The following is an entry in ClinVar:

ClinVar aggregate classification (germline): Uncertain significance (1 of 4 stars; one submission).

Conditions:
Distal hereditary motor neuropathy type 2. Identifiers: Orphanet 139525, MedGen C3711384, MeSH C580044, MONDO:0015352.

Allele frequency attached by ClinVar (database versions not stated): gnomAD 0.00001; ExAC 0.00002; gnomAD exomes 0.00002; TOPMed 0.00002.
gnomAD v4.1: 11 of 1,613,550 alleles (0.00068%); highest among the groups gnomAD compares: Non-Finnish European, 0.00093%; no homozygotes.

Submission:

Labcorp Genetics (formerly Invitae), Labcorp
Classification: Uncertain significance for Distal hereditary motor neuropathy type 2. Last evaluated: 2025-06-24. Review status: criteria provided, single submitter. Criteria: Invitae Variant Classification Sherloc (09022015). Collection method: clinical testing. Allele origin: germline.
Comment: This sequence change replaces isoleucine, which is neutral and non-polar, with phenylalanine, which is neutral and non-polar, at codon 1113 of the FBXO38 protein (p.Ile1113Phe). This variant is present in population databases (rs777560980, gnomAD 0.004%). This variant has not been reported in the literature in individuals affected with FBXO38-related conditions. ClinVar contains an entry for this variant (Variation ID: 2177102). An algorithm developed to predict the effect of missense changes on protein structure and function (PolyPhen-2) suggests that this variant is likely to be disruptive. In summary, the available evidence is currently insufficient to determine the role of this variant in disease. Therefore, it has been classified as a Variant of Uncertain Significance.

NM_205836.3(FBXO38):c.3562A>T (p.Ile1188Phe)

Gene: FBXO38 (F-box protein 38; plus strand). Cytogenetic location: 5q32.
Variant type: single nucleotide variant.
Coding change: c.3562A>T on transcript NM_205836.3 (MANE Select); coding-DNA position 3562, A replaced by T.
Protein change: p.Ile1188Phe; replaces isoleucine 1188 with phenylalanine.
Molecular consequence: missense variant.
Genome position (GRCh38, 1-based): chr5:148,442,142, A>T. VCF-style: chr5-148442142-A-T. GRCh37 (hg19) VCF-style: chr5-147821705-A-T.
Other names: c.2827A>T, p.Ile943Phe (NM_001271723.2); c.3337A>T, p.Ile1113Phe (NM_030793.5); short protein forms I1113F, I1188F, I943F.
Identifiers: ClinVar variation 2177102 (VCV002177102.4), dbSNP rs777560980, ClinGen allele CA3497764.